The following is an entry in ClinVar:

ClinVar aggregate classification (germline): Benign/Likely benign. Review status: criteria provided, multiple submitters, no conflicts (2 of 4 stars). 3 submissions from 3 submitters: Benign (1); Likely benign (2). Last evaluated 2026-08-24.

Conditions:
Hereditary cancer-predisposing syndrome. Also called: Hereditary neoplastic syndrome; Neoplastic Syndromes, Hereditary; Tumor predisposition; Hereditary Cancer Syndrome. Identifiers: Orphanet 140162, MedGen C0027672, MeSH D009386, MONDO:0015356.
Familial cancer of breast. Also called: Hereditary breast cancer; BREAST CANCER, FAMILIAL; hereditary breast carcinoma. Identifiers: Orphanet 227535, MedGen C0346153, MONDO:0016419, OMIM 114480. Disease mechanism: loss of function.

Submissions (3):

Ambry Genetics
Classification: Likely benign for Hereditary cancer-predisposing syndrome. Last evaluated: 2026-08-24. Review status: criteria provided, single submitter. Criteria: Ambry Variant Classification Scheme 2023. Collection method: clinical testing. Allele origin: germline.

Myriad Genetics, Inc.
Classification: Benign for Familial cancer of breast. Last evaluated: 2025-01-09. Review status: criteria provided, single submitter. Criteria: Myriad Autosomal Dominant, Autosomal Recessive and X-Linked Classification Criteria (2023). Collection method: clinical testing. Allele origin: unknown.
Comment: This variant is considered benign. This variant is a silent/synonymous amino acid change and it is not expected to impact splicing.

Labcorp Genetics (formerly Invitae), Labcorp
Classification: Likely benign for Familial cancer of breast. Last evaluated: 2022-06-22. Review status: criteria provided, single submitter. Criteria: Invitae Variant Classification Sherloc (09022015). Collection method: clinical testing. Allele origin: germline.

NM_024675.4(PALB2):c.156A>G (p.Val52=)

Gene: PALB2 (partner and localizer of BRCA2; minus strand). Cytogenetic location: 16p12.2.
Variant type: single nucleotide variant.
Coding change: c.156A>G on transcript NM_024675.4 (MANE Select); coding-DNA position 156, A replaced by G.
Protein change: p.Val52=; no amino-acid change (valine 52 retained).
Molecular consequence: synonymous variant. On other transcripts: 5 prime UTR variant (8), intron variant (3).
Genome position (GRCh38, 1-based): chr16:23,637,905, T>C on the plus strand (A>G on the coding strand, the complement: PALB2 is on the minus strand). VCF-style: chr16-23637905-T-C. GRCh37 (hg19) VCF-style: chr16-23649226-T-C.
Other names: c.96A>G, p.Val32= (NM_001407296.1); c.156A>G, p.Val52= (NM_001407297.1, NM_001407298.1, NM_001407299.1 and 3 more transcripts); c.-730A>G (NM_001407304.1, NM_001407305.1, NM_001407306.1 and 5 more transcripts); c.48+3205A>G (NM_001407314.1); c.-105+3205A>G (NM_001407313.1, NM_001407312.1).
Identifiers: ClinVar variation 2005053 (VCV002005053.6), dbSNP rs2142456776, ClinGen allele CA494167638.